The following is an entry in ClinVar:

NM_000505.4(F12):c.1272G>T (p.Thr424=)

Gene: F12 (coagulation factor XII; minus strand). Cytogenetic location: 5q35.3.
Variant type: single nucleotide variant.
Coding change: c.1272G>T on transcript NM_000505.4 (MANE Select); coding-DNA position 1272, G replaced by T.
Protein change: p.Thr424=; no amino-acid change (threonine 424 retained).
Molecular consequence: synonymous variant.
Genome position (GRCh38, 1-based): chr5:177,403,596, C>A on the plus strand (G>T on the coding strand, the complement: F12 is on the minus strand). VCF-style: chr5-177403596-C-A. GRCh37 (hg19) VCF-style: chr5-176830597-C-A.
Identifiers: ClinVar variation 3772620 (VCV003772620.13).
Genomic context (GRCh38, chr5:177,403,596, plus strand): 5'-CACGGCCAACGTCTGGCACGGCTCACAGCTGTGGTTACGGCGTTCCTGGCCGAGCACCAC[C>A]GTCAGATCCTCGGGTGCGGGCCTGCGGGGGGGGTAGGGGAGAGGCAGCGCTCTCAGACCT-3'
Protein context (NP_000496.2, residues 414-434): LQDRPAPEDL[Thr424=]VVLGQERRNH

ClinVar aggregate classification (germline): Likely benign (1 of 4 stars; one submission).

Submission:

CeGaT Center for Human Genetics Tuebingen
Classification: Likely benign. Last evaluated: 2025-02-01. Review status: criteria provided, single submitter. Criteria: CeGaT Center For Human Genetics Tuebingen Variant Classification Criteria Version 2. Collection method: clinical testing. Allele origin: germline. Affected: yes. Observed: 1 variant allele.
Comment: F12: PM2:Supporting, BP4, BP7